The following is an entry in ClinVar:

NM_001374828.1(ARID1B):c.660C>T (p.Asn220=)

Genes: ARID1B (AT-rich interaction domain 1B; plus strand), LOC115308161 (uncharacterized LOC115308161; minus strand). Cytogenetic location: 6q25.3.
Variant type: single nucleotide variant.
Coding change: c.660C>T on transcript NM_001374828.1 (MANE Select); coding-DNA position 660, C replaced by T.
Protein change: p.Asn220=; no amino-acid change (asparagine 220 retained).
Molecular consequence: synonymous variant. On other transcripts: non-coding transcript variant (1).
Genome position (GRCh38, 1-based): chr6:156,778,340, C>T. VCF-style: chr6-156778340-C-T. GRCh37 (hg19) VCF-style: chr6-157099474-C-T.
Other names: c.411C>T, p.Asn137= (NM_001346813.1, NM_020732.3); c.660C>T, p.Asn220= (NM_001371656.1, NM_001374820.1, NM_017519.3); c.237C>T, p.Asn79= (NM_175863.2).
Identifiers: ClinVar variation 3032841 (VCV003032841.2), dbSNP rs2114971420, ClinGen allele CA452989241.
Genomic context (GRCh38, chr6:156,778,340, plus strand): 5'-GCAGCAGCAGCAACAGCAGCAGCAGCAGCAGCAGCAACAGCAACATCCCATTTCCAACAA[C>T]AACAGCTTGGGCGGCGCGGGCGGCGGCGCGCCTCAGCCCGGCCCCGACATGGAGCAGCCG-3'
Protein context (NP_001361757.1, residues 210-230): QQQQQHPISN[Asn220=]NSLGGAGGGA

ClinVar aggregate classification (germline): Likely benign (0 of 4 stars; one submission).

Conditions:
ARID1B-Related Disorder. Identifiers: MedGen CN381337.

Allele frequency attached by ClinVar (database versions not stated): gnomAD exomes below 0.00001.
gnomAD v4.1: 4 of 1,542,686 alleles (0.00026%); highest among the groups gnomAD compares: Non-Finnish European, 0.00026%; no homozygotes.

Submission:

PreventionGenetics, part of Exact Sciences
Classification: Likely benign for ARID1B-related condition. Last evaluated: 2020-09-23. Review status: no assertion criteria provided. Collection method: clinical testing. Allele origin: germline.
Comment: This variant is classified as likely benign based on ACMG/AMP sequence variant interpretation guidelines (Richards et al. 2015 PMID: 25741868, with internal and published modifications).